The following is an entry in ClinVar:

NM_002439.5(MSH3):c.1653+1170A>G

Gene: MSH3 (mutS homolog 3; plus strand). Cytogenetic location: 5q14.1.
Variant type: single nucleotide variant.
Coding change: c.1653+1170A>G on transcript NM_002439.5 (MANE Select); 1170 bases into the intron after coding-DNA position 1653, A replaced by G.
Molecular consequence: intron variant.
Genome position (GRCh38, 1-based): chr5:80,742,718, A>G. VCF-style: chr5-80742718-A-G. GRCh37 (hg19) VCF-style: chr5-80038537-A-G.
Identifiers: ClinVar variation 2092030 (VCV002092030.4), dbSNP rs1043550346, ClinGen allele CA121300530.

ClinVar aggregate classification (germline): Uncertain significance (1 of 4 stars; one submission).

Allele frequency attached by ClinVar (database versions not stated): TOPMed 0.00001; gnomAD 0.00001.
gnomAD v4.1: 1 of 152,134 alleles (0.00066%); highest among the groups gnomAD compares: Non-Finnish European, 0.0015%; no homozygotes.

Submission:

Labcorp Genetics (formerly Invitae), Labcorp
Classification: Uncertain significance. Last evaluated: 2026-01-18. Review status: criteria provided, single submitter. Criteria: Invitae Variant Classification Sherloc (09022015). Collection method: clinical testing. Allele origin: germline.
Comment: This sequence change falls in intron 11 of the MSH3 gene. It does not directly change the encoded amino acid sequence of the MSH3 protein. RNA analysis indicates that this variant induces altered splicing and may result in an absent or altered protein product. This variant is not present in population databases (gnomAD no frequency). This variant has not been reported in the literature in individuals affected with MSH3-related conditions. ClinVar contains an entry for this variant (Variation ID: 2092030). Studies have shown that this variant results in activation of a cryptic splice site, and produces a non-functional protein and/or introduces a premature termination codon (internal data). In summary, the available evidence is currently insufficient to determine the role of this variant in disease. Therefore, it has been classified as a Variant of Uncertain Significance.